The following is an entry in ClinVar:

NM_005984.5(SLC25A1):c.392C>T (p.Ala131Val)

Gene: SLC25A1 (solute carrier family 25 member 1; minus strand). Cytogenetic location: 22q11.21.
Variant type: single nucleotide variant.
Coding change: c.392C>T on transcript NM_005984.5 (MANE Select); coding-DNA position 392, C replaced by T.
Protein change: p.Ala131Val; replaces alanine 131 with valine.
Molecular consequence: missense variant.
Genome position (GRCh38, 1-based): chr22:19,177,776, G>A on the plus strand (C>T on the coding strand, the complement: SLC25A1 is on the minus strand). VCF-style: chr22-19177776-G-A. GRCh37 (hg19) VCF-style: chr22-19165289-G-A.
Other names: c.413C>T, p.Ala138Val (NM_001256534.2); c.83C>T, p.Ala28Val (NM_001287387.2); short protein forms A28V, A131V, A138V.
Identifiers: ClinVar variation 1034231 (VCV001034231.2), dbSNP rs782380351, ClinGen allele CA10097463.

ClinVar aggregate classification (germline): Uncertain significance. Review status: criteria provided, multiple submitters, no conflicts (2 of 4 stars). 2 submissions from 2 submitters: Uncertain significance (2). Last evaluated 2024-01-01.

Conditions:
2-hydroxyglutaric aciduria (D2L2AD). Identifiers: Orphanet 19, Orphanet 356978, MedGen C2746066, MONDO:0016001. Disease mechanism: loss of function.
SLC25A1-related disorder. Also called: SLC25A1-related condition.

Allele frequency attached by ClinVar (database versions not stated): gnomAD 0.00001; gnomAD exomes below 0.00001; ExAC 0.00001.
gnomAD v4.1: 4 of 1,610,130 alleles (0.00025%); highest among the groups gnomAD compares: Non-Finnish European, 0.00034%; no homozygotes.

Submissions (2):

Daryl Scott Lab, Baylor College of Medicine
Classification: Uncertain significance for SLC25A1-related disorder. Last evaluated: 2024-01-01. Review status: criteria provided, single submitter. Criteria: ACMG Guidelines, 2015. Collection method: clinical testing. Allele origin: unknown. Observed: 1 heterozygote.
Comment: PP3

Baylor Genetics
Classification: Uncertain significance for D,L-2-hydroxyglutaric aciduria. Last evaluated: 2018-09-19. Review status: criteria provided, single submitter. Criteria: ACMG Guidelines, 2015. Collection method: clinical testing. Allele origin: unknown. Affected: yes.
Comment: This variant was determined to be of uncertain significance according to ACMG Guidelines, 2015 [PMID:25741868].